The following is an entry in ClinVar:

NM_000553.6(WRN):c.2977C>A (p.Arg993Ser)

Gene: WRN (WRN RecQ like helicase; plus strand). Cytogenetic location: 8p12.
Variant type: single nucleotide variant.
Coding change: c.2977C>A on transcript NM_000553.6 (MANE Select); coding-DNA position 2977, C replaced by A.
Protein change: p.Arg993Ser; replaces arginine 993 with serine.
Molecular consequence: missense variant.
Genome position (GRCh38, 1-based): chr8:31,141,439, C>A. VCF-style: chr8-31141439-C-A. GRCh37 (hg19) VCF-style: chr8-30998955-C-A.
Other names: short protein forms R993S.
Identifiers: ClinVar variation 1375860 (VCV001375860.6), dbSNP rs749330842, ClinGen allele CA370921655.

ClinVar aggregate classification (germline): Uncertain significance (1 of 4 stars; one submission).

Conditions:
Werner syndrome (WRN). Identifiers: Orphanet 902, MedGen C0043119, MONDO:0010196, OMIM 277700.

Submission:

Labcorp Genetics (formerly Invitae), Labcorp
Classification: Uncertain significance for Werner syndrome. Last evaluated: 2021-08-18. Review status: criteria provided, single submitter. Criteria: Invitae Variant Classification Sherloc (09022015). Collection method: clinical testing. Allele origin: germline.
Comment: This sequence change replaces arginine with serine at codon 993 of the WRN protein (p.Arg993Ser). The arginine residue is highly conserved and there is a moderate physicochemical difference between arginine and serine. In summary, the available evidence is currently insufficient to determine the role of this variant in disease. Therefore, it has been classified as a Variant of Uncertain Significance. Algorithms developed to predict the effect of missense changes on protein structure and function are either unavailable or do not agree on the potential impact of this missense change (SIFT: "Not Available"; PolyPhen-2: "Probably Damaging"; Align-GVGD: "Not Available"). This variant has not been reported in the literature in individuals affected with WRN-related conditions. This variant is not present in population databases (ExAC no frequency).